The following is an entry in ClinVar:

ClinVar aggregate classification (germline): Uncertain significance (1 of 4 stars; one submission).

gnomAD v4.1: 4 of 1,391,190 alleles (0.00029%); highest among the groups gnomAD compares: African/African-American, 0.0014%; no homozygotes.

Submission:

Labcorp Genetics (formerly Invitae), Labcorp
Classification: Uncertain significance. Last evaluated: 2025-11-25. Review status: criteria provided, single submitter. Criteria: Invitae Variant Classification Sherloc (09022015). Collection method: clinical testing. Allele origin: germline.
Comment: This sequence change affects an acceptor splice site in intron 9 of the GUCY2C gene. It is expected to disrupt RNA splicing. Variants that disrupt the donor or acceptor splice site typically lead to a loss of protein function (PMID: 16199547), however the current clinical and genetic evidence is not sufficient to establish whether loss-of-function variants in GUCY2C cause disease. This variant is present in population databases (rs753493566, gnomAD 0.002%). This variant has not been reported in the literature in individuals affected with GUCY2C-related conditions. Algorithms developed to predict the effect of sequence changes on RNA splicing suggest that this variant may disrupt the consensus splice site. In summary, the available evidence is currently insufficient to determine the role of this variant in disease. Therefore, it has been classified as a Variant of Uncertain Significance.

Literature cited by the submitters: PubMed 16199547.

NM_004963.4(GUCY2C):c.1171-1G>A

Genes: GUCY2C (guanylate cyclase 2C; minus strand), GUCY2C-AS1 (GUCY2C antisense RNA 1; plus strand). Cytogenetic location: 12p12.3.
Variant type: single nucleotide variant.
Coding change: c.1171-1G>A on transcript NM_004963.4 (MANE Select); the canonical splice acceptor site of the intron before coding-DNA position 1171, G replaced by A.
Molecular consequence: splice acceptor variant.
Genome position (GRCh38, 1-based): chr12:14,669,834, C>T on the plus strand (G>A on the coding strand, the complement: GUCY2C is on the minus strand). VCF-style: chr12-14669834-C-T. GRCh37 (hg19) VCF-style: chr12-14822768-C-T.
Identifiers: ClinVar variation 4777188 (VCV004777188.1).